The following is an entry in ClinVar:

NM_000218.3(KCNQ1):c.1498A>G (p.Ile500Val)

Genes: KCNQ1 (potassium voltage-gated channel subfamily Q member 1; plus strand), KCNQ1OT1 (KCNQ1 opposite strand/antisense transcript 1; minus strand). Cytogenetic location: 11p15.5.
Variant type: single nucleotide variant.
Coding change: c.1498A>G on transcript NM_000218.3 (MANE Select); coding-DNA position 1498, A replaced by G.
Protein change: p.Ile500Val; replaces isoleucine 500 with valine.
Molecular consequence: missense variant.
Genome position (GRCh38, 1-based): chr11:2,662,065, A>G. VCF-style: chr11-2662065-A-G. GRCh37 (hg19) VCF-style: chr11-2683295-A-G.
Other names: c.1402A>G, p.Ile468Val (NM_001406836.1); c.1228A>G, p.Ile410Val (NM_001406837.1); c.958A>G, p.Ile320Val (NM_001406838.1); c.1117A>G, p.Ile373Val (NM_181798.2); short protein forms I373V, I500V, I410V, I320V, I468V.
Identifiers: ClinVar variation 666841 (VCV000666841.57), dbSNP rs189794855, ClinGen allele CA379479793.
Genomic context (GRCh38, chr11:2,662,065, plus strand): 5'-ATGAGAACCAACAGCTTCGCCGAGGACCTGGACCTGGAAGGGGAGACTCTGCTGACACCC[A>G]TCACCCACATCTCACAGTGAGTGCCTACATGTGCGTGAAGGGCTGGGCTGGAGGGGACTG-3'
Protein context (NP_000209.2, residues 490-510): DLEGETLLTP[Ile500Val]THISQLREHH

ClinVar aggregate classification (germline): Uncertain significance. Review status: criteria provided, multiple submitters, no conflicts (2 of 4 stars). 6 submissions from 6 submitters: Uncertain significance (6). Last evaluated 2025-12-05.

Conditions:
Long QT syndrome (LQTS). Identifiers: MedGen C0023976, MeSH D008133, MONDO:0002442. Disease mechanism: loss of function. Inheritance: Various modes of inheritance.
Cardiovascular phenotype. Identifiers: MedGen CN230736.
Cardiac arrhythmia. Also called: Arrhythmia; Cardiac rhythm disease. Identifiers: MedGen C0003811, MONDO:0007263, HP:0011675.

Allele frequency attached by ClinVar (database versions not stated): gnomAD 0.00001; TOPMed 0.00001.
gnomAD v4.1: 15 of 1,614,086 alleles (0.00093%); highest among the groups gnomAD compares: Middle Eastern, 0.016%; no homozygotes.

Submissions (6):

Ambry Genetics
Classification: Uncertain significance for Cardiovascular phenotype. Last evaluated: 2025-12-05. Review status: criteria provided, single submitter. Criteria: Ambry Variant Classification Scheme 2023. Collection method: clinical testing. Allele origin: germline.
Comment: The p.I500V variant (also known as c.1498A>G), located in coding exon 11 of the KCNQ1 gene, results from an A to G substitution at nucleotide position 1498. The isoleucine at codon 500 is replaced by valine, an amino acid with highly similar properties. This amino acid position is highly conserved in available vertebrate species. In addition, the in silico prediction for this alteration is inconclusive. Since supporting evidence is limited at this time, the clinical significance of this alteration remains unclear.

All of Us Research Program, National Institutes of Health
Classification: Uncertain significance for Long QT syndrome. Last evaluated: 2023-12-13. Review status: criteria provided, single submitter. Criteria: ACMG Guidelines, 2015. Collection method: clinical testing. Allele origin: germline. Inheritance: Autosomal dominant inheritance. Observed: 2 variant alleles, 2 heterozygotes.
Comment: This missense variant replaces isoleucine with valine at codon 500 of the KCNQ1 protein. Computational prediction is inconclusive regarding the impact of this variant on protein structure and function (internally defined REVEL score threshold 0.5 < inconclusive < 0.7, PMID: 27666373). To our knowledge, functional studies have not been reported for this variant. This variant has not been reported in individuals affected with cardiovascular disorders in the literature. This variant has been identified in 1/251414 chromosomes in the general population by the Genome Aggregation Database (gnomAD). The available evidence is insufficient to determine the role of this variant in disease conclusively. Therefore, this variant is classified as a Variant of Uncertain Significance.

This study involves interpretation of variants in research participants for the purpose of population health screening. Participant phenotype was not available at the time of variant classification. Additional details can be found in publication PMID: 35346344, PMCID: PMC8962531

Color Diagnostics, LLC DBA Color Health
Classification: Uncertain significance for Cardiac arrhythmia. Last evaluated: 2023-06-14. Review status: criteria provided, single submitter. Criteria: ACMG Guidelines, 2015. Collection method: clinical testing. Allele origin: germline.
Comment: This missense variant replaces isoleucine with valine at codon 500 of the KCNQ1 protein. Computational prediction is inconclusive regarding the impact of this variant on protein structure and function (internally defined REVEL score threshold 0.5 < inconclusive < 0.7, PMID: 27666373). To our knowledge, functional studies have not been reported for this variant. This variant has not been reported in individuals affected with KCNQ1-related disorders in the literature. This variant has been identified in 1/251414 chromosomes in the general population by the Genome Aggregation Database (gnomAD). The available evidence is insufficient to determine the role of this variant in disease conclusively. Therefore, this variant is classified as a Variant of Uncertain Significance.

Labcorp Genetics (formerly Invitae), Labcorp
Classification: Uncertain significance for Long QT syndrome. Last evaluated: 2023-04-25. Review status: criteria provided, single submitter. Criteria: Invitae Variant Classification Sherloc (09022015). Collection method: clinical testing. Allele origin: germline.
Comment: In summary, the available evidence is currently insufficient to determine the role of this variant in disease. Therefore, it has been classified as a Variant of Uncertain Significance. Advanced modeling of protein sequence and biophysical properties (such as structural, functional, and spatial information, amino acid conservation, physicochemical variation, residue mobility, and thermodynamic stability) performed at Invitae indicates that this missense variant is not expected to disrupt KCNQ1 protein function. ClinVar contains an entry for this variant (Variation ID: 666841). This variant has not been reported in the literature in individuals affected with KCNQ1-related conditions. This variant is present in population databases (no rsID available, gnomAD 0.003%). This sequence change replaces isoleucine, which is neutral and non-polar, with valine, which is neutral and non-polar, at codon 500 of the KCNQ1 protein (p.Ile500Val).

Blueprint Genetics
Classification: Uncertain significance. Last evaluated: 2019-11-06. Review status: criteria provided, single submitter. Criteria: ACMG Guidelines, 2015. Collection method: clinical testing. Allele origin: germline.

Laboratory for Molecular Medicine, Mass General Brigham Personalized Medicine
Classification: Uncertain significance. Last evaluated: 2018-06-29. Review status: criteria provided, single submitter. Criteria: LMM Criteria. Collection method: clinical testing. Allele origin: germline. Observed: 1 variant allele.
Comment: The p.Ile500Val variant in KCNQ1 has not been previously reported in individuals with hearing loss or Jervell and Lange-Nielsen syndrome but has been identified in 1/30782 South Asian chromosomes by the Genome Aggregation Database (gnomAD; dbSNP rs189794855).Computational prediction to ols and conservation analyses suggest that this variant may not impact the prote in, though this information is not predictive enough to rule out pathogenicity. In summary, the clinical significance of the p.Ile500Val variant is uncertain. A CMG/AMP Criteria applied: PM2, BP4.